The following is an entry in ClinVar:

NC_000021.8:g.(?_44296792)_(47865240_?)del

Genes: ADARB1 (adenosine deaminase RNA specific B1; plus strand), AGPAT3 (1-acylglycerol-3-phosphate O-acyltransferase 3; plus strand), AIRE (autoimmune regulator; plus strand), C21orf58 (chromosome 21 open reading frame 58; minus strand), CBS (cystathionine beta-synthase; minus strand) and 57 more. Cytogenetic location: 21q22.3.
Variant type: Deletion.
Identifiers: ClinVar variation 3248207 (VCV003248207.1).

ClinVar aggregate classification (germline): Pathogenic (1 of 4 stars; one submission).

Submission:

Labcorp Genetics (formerly Invitae), Labcorp
Classification: Pathogenic. Last evaluated: 2022-08-23. Review status: criteria provided, single submitter. Criteria: Invitae Variant Classification Sherloc (09022015). Collection method: clinical testing. Allele origin: unknown.
Comment: This variant is a gross deletion of the genomic region encompassing exon(s) 1-2 of the WDR4 gene, which includes the initiator codon. This deletion extends beyond the assayed region for this gene and therefore may encompass additional genes. It is expected to result in an absent or disrupted protein product. Loss-of-function variants in WDR4 are known to be pathogenic (PMID: 29597095, 30079490). This variant has not been reported in the literature in individuals affected with WDR4-related conditions. For these reasons, this variant has been classified as Pathogenic.

Literature cited by the submitters: PubMed 29597095; PubMed 30079490.